The following is an entry in ClinVar:

ClinVar aggregate classification (germline): Uncertain significance. Review status: criteria provided, multiple submitters, no conflicts (2 of 4 stars). 2 submissions from 2 submitters: Uncertain significance (2). Last evaluated 2023-11-01.

Conditions:
Inborn genetic diseases. Identifiers: MedGen C0950123, MeSH D030342.

gnomAD v4.1: 34 of 1,535,422 alleles (0.0022%); highest among the groups gnomAD compares: Non-Finnish European, 0.0028%; no homozygotes.

Submissions (2):

CeGaT Center for Human Genetics Tuebingen
Classification: Uncertain significance. Last evaluated: 2023-11-01. Review status: criteria provided, single submitter. Criteria: CeGaT Center For Human Genetics Tuebingen Variant Classification Criteria Version 2. Collection method: clinical testing. Allele origin: germline. Affected: yes. Observed: 1 variant allele.
Comment: SETD1B: PM2, PP2, PP3

Ambry Genetics
Classification: Uncertain significance for Inborn genetic diseases. Last evaluated: 2023-06-06. Review status: criteria provided, single submitter. Criteria: Ambry Variant Classification Scheme 2023. Collection method: clinical testing. Allele origin: germline.

NM_001353345.2(SETD1B):c.4540C>A (p.Pro1514Thr)

Gene: SETD1B (SET domain containing 1B, histone lysine methyltransferase; plus strand). Cytogenetic location: 12q24.31.
Variant type: single nucleotide variant.
Coding change: c.4540C>A on transcript NM_001353345.2 (MANE Select); coding-DNA position 4540, C replaced by A.
Protein change: p.Pro1514Thr; replaces proline 1514 with threonine.
Molecular consequence: missense variant.
Genome position (GRCh38, 1-based): chr12:121,823,119, C>A. VCF-style: chr12-121823119-C-A. GRCh37 (hg19) VCF-style: chr12-122261025-C-A.
Other names: NM_015048.1:c.4411C>A; short protein forms P1514T.
Identifiers: ClinVar variation 2557834 (VCV002557834.25), dbSNP rs1328449770, ClinGen allele CA386999207.